The following is an entry in ClinVar:

ClinVar aggregate classification (germline): Likely pathogenic (1 of 4 stars; one submission).

Conditions:
Hereditary cancer-predisposing syndrome. Also called: Neoplastic Syndromes, Hereditary; Tumor predisposition; Hereditary Cancer Syndrome; Hereditary neoplastic syndrome. Identifiers: Orphanet 140162, MedGen C0027672, MeSH D009386, MONDO:0015356.

Submission:

Ambry Genetics
Classification: Likely pathogenic for Hereditary cancer-predisposing syndrome. Last evaluated: 2025-11-13. Review status: criteria provided, single submitter. Criteria: Ambry Variant Classification Scheme 2023. Collection method: clinical testing. Allele origin: germline.
Comment: The c.1908+5G>A intronic variant results from a G to A substitution 5 nucleotides after coding exon 14 in the SDHA gene. This nucleotide position is not well conserved in available vertebrate species. In silico splice site analysis predicts that this alteration will weaken the native splice donor site. RNA studies have demonstrated that this alteration results in abnormal splicing in the set of samples tested (Ambry internal data). This variant is considered to be rare based on population cohorts in the Genome Aggregation Database (gnomAD). Based on the majority of available evidence to date, this variant is likely to be pathogenic.

NM_004168.4(SDHA):c.1908+5G>A

Gene: SDHA (succinate dehydrogenase complex flavoprotein subunit A; plus strand). Cytogenetic location: 5p15.33.
Variant type: single nucleotide variant.
Coding change: c.1908+5G>A on transcript NM_004168.4 (MANE Select); 5 bases into the intron after coding-DNA position 1908, G replaced by A.
Molecular consequence: intron variant.
Genome position (GRCh38, 1-based): chr5:254,511, G>A. VCF-style: chr5-254511-G-A. GRCh37 (hg19) VCF-style: chr5-254626-G-A.
Other names: c.1665+5G>A (NM_001330758.2); c.1764+5G>A (NM_001294332.2).
Identifiers: ClinVar variation 1782420 (VCV001782420.4), dbSNP rs759574062, ClinGen allele CA2580073136.